The following is an entry in ClinVar:

ClinVar aggregate classification (germline): Conflicting classifications of pathogenicity. Review status: criteria provided, conflicting classifications (1 of 4 stars). 3 submissions from 3 submitters: Uncertain significance (2); Likely benign (1). Last evaluated 2024-12-31.

Conditions:
TTN-related disorder. Also called: TTN-related condition; TTN-related disease; TTN-related disorders.
Cardiomyopathy (CMYO). Also called: Cardiomyopathies. Identifiers: Orphanet 167848, MedGen C0878544, MONDO:0004994, HP:0001638. Inheritance: Various modes of inheritance.

Allele frequency attached by ClinVar (database versions not stated): gnomAD 0.00001.
gnomAD v4.1: 9 of 1,610,150 alleles (0.00056%); highest among the groups gnomAD compares: African/African-American, 0.0067%; no homozygotes.

Submissions (3):

Mayo Clinic Laboratories, Mayo Clinic
Classification: Uncertain significance. Last evaluated: 2024-12-31. Review status: criteria provided, single submitter. Criteria: ACMG Guidelines, 2015. Collection method: clinical testing. Allele origin: germline. Observed: 2 variant alleles.
Comment: PM2_supporting

PreventionGenetics, part of Exact Sciences
Classification: Uncertain significance for TTN-related condition. Last evaluated: 2022-09-13. Review status: criteria provided, single submitter. Criteria: ACMG Guidelines, 2015. Collection method: clinical testing. Allele origin: germline.
Comment: The TTN c.46415G>C variant is predicted to result in the amino acid substitution p.Arg15472Thr. This variant has been reported in an individual with an inherited skeletal myopathy (Savarese et al. 2020. PubMed ID: 32039858). To our knowledge, this variant has not been reported in a large population database, indicating this variant is rare. This variant is interpreted as a variant of uncertain significance in ClinVar. At this time, the clinical significance of this variant is uncertain due to the absence of conclusive functional and genetic evidence.

CHEO Genetics Diagnostic Laboratory, Children's Hospital of Eastern Ontario
Classification: Likely benign for Cardiomyopathy. Last evaluated: 2022-02-22. Review status: criteria provided, single submitter. Criteria: ACMG Guidelines, 2015. Collection method: clinical testing. Allele origin: germline.

NM_001267550.2(TTN):c.46415G>C (p.Arg15472Thr)

Genes: TTN (titin; minus strand), TTN-AS1 (TTN antisense RNA 1; plus strand). Cytogenetic location: 2q31.2.
Variant type: single nucleotide variant.
Coding change: c.46415G>C on transcript NM_001267550.2 (MANE Select); coding-DNA position 46415, G replaced by C.
Protein change: p.Arg15472Thr; replaces arginine 15472 with threonine.
Molecular consequence: missense variant. On other transcripts: non-coding transcript variant (1).
Genome position (GRCh38, 1-based): chr2:178,620,002, C>G on the plus strand (G>C on the coding strand, the complement: TTN is on the minus strand). VCF-style: chr2-178620002-C-G. GRCh37 (hg19) VCF-style: chr2-179484729-C-G.
Other names: c.41492G>C, p.Arg13831Thr (NM_001256850.1); c.19220G>C, p.Arg6407Thr (NM_003319.4); c.38711G>C, p.Arg12904Thr (NM_133378.4); c.19595G>C, p.Arg6532Thr (NM_133432.3); c.19796G>C, p.Arg6599Thr (NM_133437.4); short protein forms R12904T, R13831T, R15472T, R6407T, R6532T, R6599T.
Identifiers: ClinVar variation 1163818 (VCV001163818.8), dbSNP rs2058028450, ClinGen allele CA349626729.